The following is an entry in ClinVar:

ClinVar aggregate classification (germline): Likely benign. Review status: criteria provided, multiple submitters, no conflicts (2 of 4 stars). 3 submissions from 3 submitters: Likely benign (2). 1 of the submissions does not count toward it. Last evaluated 2026-07-01.

Conditions:
HERC2-related disorder. Also called: HERC2-related condition.

Allele frequency attached by ClinVar (database versions not stated): gnomAD exomes 0.00035; ExAC 0.00092; 1000 Genomes Project 30x 0.00219; 1000 Genomes Project 0.00220; gnomAD 0.00259; ESP Exome Variant Server 0.00292; TOPMed 0.00298.
gnomAD v4.1: 930 of 1,613,332 alleles (0.058%); highest among the groups gnomAD compares: African/African-American, 0.8%; 1 homozygote.

Submissions (3):

CeGaT Center for Human Genetics Tuebingen
Classification: Likely benign. Last evaluated: 2026-07-01. Review status: criteria provided, single submitter. Criteria: CeGaT Center For Human Genetics Tuebingen Variant Classification Criteria Version 2. Collection method: clinical testing. Allele origin: germline. Affected: yes. Observed: 8 variant alleles.
Comment: HERC2: BP4, BP7

Blueprint Genetics
Classification: Likely benign. Last evaluated: 2024-08-19. Review status: criteria provided, single submitter. Criteria: ACMG Guidelines, 2015. Collection method: clinical testing. Allele origin: germline.

PreventionGenetics, part of Exact Sciences
Classification: Likely benign for HERC2-related condition. Last evaluated: 2024-08-22. Review status: no assertion criteria provided. Collection method: clinical testing. Allele origin: germline. Not counted in ClinVar's aggregate classification.
Comment: This variant is classified as likely benign based on ACMG/AMP sequence variant interpretation guidelines (Richards et al. 2015 PMID: 25741868, with internal and published modifications).

NM_004667.6(HERC2):c.10395A>G (p.Pro3465=)

Gene: HERC2 (HECT and RLD domain containing E3 ubiquitin protein ligase 2; minus strand). Cytogenetic location: 15q13.1.
Variant type: single nucleotide variant.
Coding change: c.10395A>G on transcript NM_004667.6 (MANE Select); coding-DNA position 10395, A replaced by G.
Protein change: p.Pro3465=; no amino-acid change (proline 3465 retained).
Molecular consequence: synonymous variant.
Genome position (GRCh38, 1-based): chr15:28,168,425, T>C on the plus strand (A>G on the coding strand, the complement: HERC2 is on the minus strand). VCF-style: chr15-28168425-T-C. GRCh37 (hg19) VCF-style: chr15-28413571-T-C.
Other names: c.10395A>G (NM_004667.5).
Identifiers: ClinVar variation 2645049 (VCV002645049.25), dbSNP rs145438661, ClinGen allele CA7440865.